The following is an entry in ClinVar:

ClinVar aggregate classification (germline): Uncertain significance (1 of 4 stars; one submission).

Conditions:
Alstrom syndrome (ALMS). Identifiers: Orphanet 64, MedGen C0268425, MONDO:0008763, OMIM 203800.

gnomAD v4.1: 3 of 1,614,088 alleles (0.00019%); highest among the groups gnomAD compares: Non-Finnish European, 0.00025%; no homozygotes.

Submission:

Labcorp Genetics (formerly Invitae), Labcorp
Classification: Uncertain significance for Alstrom syndrome. Last evaluated: 2024-12-17. Review status: criteria provided, single submitter. Criteria: Invitae Variant Classification Sherloc (09022015). Collection method: clinical testing. Allele origin: germline.
Comment: This sequence change replaces lysine, which is basic and polar, with glutamic acid, which is acidic and polar, at codon 1978 of the ALMS1 protein (p.Lys1978Glu). This variant is not present in population databases (gnomAD no frequency). This variant has not been reported in the literature in individuals affected with ALMS1-related conditions. Experimental studies and prediction algorithms are not available or were not evaluated, and the functional significance of this variant is currently unknown. In summary, the available evidence is currently insufficient to determine the role of this variant in disease. Therefore, it has been classified as a Variant of Uncertain Significance.

NM_001378454.1(ALMS1):c.5929A>G (p.Lys1977Glu)

Gene: ALMS1 (ALMS1 centrosome and basal body associated protein; plus strand). Cytogenetic location: 2p13.1.
Variant type: single nucleotide variant.
Coding change: c.5929A>G on transcript NM_001378454.1 (MANE Select); coding-DNA position 5929, A replaced by G.
Protein change: p.Lys1977Glu; replaces lysine 1977 with glutamic acid.
Molecular consequence: missense variant.
Genome position (GRCh38, 1-based): chr2:73,452,456, A>G. VCF-style: chr2-73452456-A-G. GRCh37 (hg19) VCF-style: chr2-73679583-A-G.
Other names: c.5932A>G, p.Lys1978Glu (NM_015120.4); short protein forms K1977E, K1978E.
Identifiers: ClinVar variation 3629040 (VCV003629040.1).